The following is an entry in ClinVar:

NM_001277313.2(FMN1):c.3700C>T (p.Arg1234Cys)

Gene: FMN1 (formin 1; minus strand). Cytogenetic location: 15q13.3.
Variant type: single nucleotide variant.
Coding change: c.3700C>T on transcript NM_001277313.2 (MANE Select); coding-DNA position 3700, C replaced by T.
Protein change: p.Arg1234Cys; replaces arginine 1234 with cysteine.
Molecular consequence: missense variant.
Genome position (GRCh38, 1-based): chr15:32,898,848, G>A on the plus strand (C>T on the coding strand, the complement: FMN1 is on the minus strand). VCF-style: chr15-32898848-G-A. GRCh37 (hg19) VCF-style: chr15-33191049-G-A.
Other names: c.3031C>T, p.Arg1011Cys (NM_001103184.4); short protein forms R1011C, R1234C.
Identifiers: ClinVar variation 1973211 (VCV001973211.5), dbSNP rs200873951, ClinGen allele CA7456461.
Genomic context (GRCh38, chr15:32,898,848, plus strand): 5'-ACAATGAGTAAGAGGTGAAACTTTTCCACGTAATACCATTTCTTACCTGATCATAGTAAC[G>A]CAGGTAATACTTAACAACGTAGTCCACCAGATTAATCCCATTATCCTAGGTTTAAAAGAG-3'
Protein context (NP_001264242.1, residues 1224-1244): LVDYVVKYYL[Arg1234Cys]YYDQEAGTEK

ClinVar aggregate classification (germline): Uncertain significance (1 of 4 stars; one submission).

Allele frequency attached by ClinVar (database versions not stated): gnomAD 0.00001; TOPMed 0.00001; ExAC 0.00002; ESP Exome Variant Server 0.00025.
gnomAD v4.1: 30 of 1,596,168 alleles (0.0019%); highest among the groups gnomAD compares: Non-Finnish European, 0.0023%; no homozygotes.

Submission:

Labcorp Genetics (formerly Invitae), Labcorp
Classification: Uncertain significance. Last evaluated: 2022-02-08. Review status: criteria provided, single submitter. Criteria: Invitae Variant Classification Sherloc (09022015). Collection method: clinical testing. Allele origin: germline.
Comment: In summary, the available evidence is currently insufficient to determine the role of this variant in disease. Therefore, it has been classified as a Variant of Uncertain Significance. Algorithms developed to predict the effect of missense changes on protein structure and function are either unavailable or do not agree on the potential impact of this missense change (SIFT: "Deleterious"; PolyPhen-2: "Probably Damaging"; Align-GVGD: "Class C0"). This variant has not been reported in the literature in individuals affected with FMN1-related conditions. This variant is present in population databases (rs200873951, gnomAD 0.004%). This sequence change replaces arginine, which is basic and polar, with cysteine, which is neutral and slightly polar, at codon 1011 of the FMN1 protein (p.Arg1011Cys).